The following is an entry in ClinVar:

ClinVar aggregate classification (germline): Pathogenic. Review status: criteria provided, multiple submitters, no conflicts (2 of 4 stars). 2 submissions from 2 submitters: Pathogenic (2). Last evaluated 2025-12-13.

Conditions:
Inborn genetic diseases. Identifiers: MedGen C0950123, MeSH D030342.

Submissions (2):

GeneDx
Classification: Pathogenic. Last evaluated: 2025-12-13. Review status: criteria provided, single submitter. Criteria: GeneDx Variant Classification Process June 2021. Collection method: clinical testing. Allele origin: germline. Affected: yes.
Comment: Nonsense variant predicted to result in protein truncation or nonsense mediated decay in a gene for which loss of function is a known mechanism of disease; Not observed at significant frequency in large population cohorts (gnomAD); Has not been previously published as pathogenic or benign to our knowledge

Ambry Genetics
Classification: Pathogenic for Inborn genetic diseases. Last evaluated: 2024-05-29. Review status: criteria provided, single submitter. Criteria: Ambry Variant Classification Scheme 2023. Collection method: clinical testing. Allele origin: germline.
Comment: The c.202C>T (p.R68*) alteration, located in exon 2 (coding exon 2) of the KDM5C gene, consists of a C to T substitution at nucleotide position 202. This changes the amino acid from an arginine (R) to a stop codon at amino acid position 68. This alteration is expected to result in loss of function by premature protein truncation or nonsense-mediated mRNA decay. This variant was not reported in population-based cohorts in the Genome Aggregation Database (gnomAD). Based on the available evidence, this alteration is classified as pathogenic.

NM_004187.5(KDM5C):c.202C>T (p.Arg68Ter)

Gene: KDM5C (lysine demethylase 5C; minus strand). Cytogenetic location: Xp11.22.
Variant type: single nucleotide variant.
Coding change: c.202C>T on transcript NM_004187.5 (MANE Select); coding-DNA position 202, C replaced by T.
Protein change: p.Arg68Ter; replaces arginine 68 with a stop codon.
Molecular consequence: nonsense. On other transcripts: non-coding transcript variant (3), intron variant (1).
Genome position (GRCh38, 1-based): chrX:53,220,865, G>A on the plus strand (C>T on the coding strand, the complement: KDM5C is on the minus strand). VCF-style: chrX-53220865-G-A. GRCh37 (hg19) VCF-style: chrX-53250047-G-A.
Other names: c.202C>T, p.Arg68Ter (NM_001282622.3, NM_001353978.3, NM_001353979.2 and 3 more transcripts); c.151-2899C>T (NM_001146702.2); c.202C>T (NM_004187.3); short protein forms R68*.
Identifiers: ClinVar variation 1710735 (VCV001710735.6), dbSNP rs2519599338, ClinGen allele CA413132505.